The following is an entry in ClinVar:

NM_021830.5(TWNK):c.1155G>A (p.Glu385=)

Gene: TWNK (twinkle mtDNA helicase; plus strand). Cytogenetic location: 10q24.31.
Variant type: single nucleotide variant.
Coding change: c.1155G>A on transcript NM_021830.5 (MANE Select); coding-DNA position 1155, G replaced by A.
Protein change: p.Glu385=; no amino-acid change (glutamic acid 385 retained).
Molecular consequence: synonymous variant. On other transcripts: non-coding transcript variant (4), intron variant (3).
Genome position (GRCh38, 1-based): chr10:100,989,365, G>A. VCF-style: chr10-100989365-G-A. GRCh37 (hg19) VCF-style: chr10-102749122-G-A.
Other names: c.1155G>A, p.Glu385= (NM_001163812.2); c.-119-279G>A (NM_001163814.2, NM_001163813.2); c.-57-341G>A (NM_001368275.1).
Identifiers: ClinVar variation 2640765 (VCV002640765.24), dbSNP rs2493634029, ClinGen allele CA471269208.
Genomic context (GRCh38, chr10:100,989,365, plus strand): 5'-GTCCATCGTATCTTTCCGGCAGCTTCGGGAGGAGGTGCTAGGAGAACTGTCAAATGTGGA[G>A]CAAGCAGCTGGCCTCCGCTGGAGCCGCTTTCCAGACCTCAATCGTATCTTGAAGGGACAT-3'
Protein context (NP_068602.2, residues 375-395): EEVLGELSNV[Glu385=]QAAGLRWSRF

ClinVar aggregate classification (germline): Likely benign (1 of 4 stars; one submission).

Submission:

CeGaT Center for Human Genetics Tuebingen
Classification: Likely benign. Last evaluated: 2023-10-01. Review status: criteria provided, single submitter. Criteria: CeGaT Center For Human Genetics Tuebingen Variant Classification Criteria Version 2. Collection method: clinical testing. Allele origin: germline. Affected: yes. Observed: 1 variant allele.
Comment: TWNK: PM2:Supporting, BP4, BP7